The following is an entry in ClinVar:

ClinVar aggregate classification (germline): Pathogenic/Likely pathogenic. Review status: criteria provided, multiple submitters, no conflicts (2 of 4 stars). 3 submissions from 3 submitters: Pathogenic (1); Likely pathogenic (2). Last evaluated 2025-10-20.

Conditions:
Retinitis pigmentosa 39 (RP39). Identifiers: Orphanet 791, MedGen C3151138, MONDO:0013436, OMIM 613809.
Usher syndrome type 2A. Also called: RETINAL DISEASE IN USHER SYNDROME TYPE IIA, MODIFIER OF; USHER SYNDROME, TYPE IIA. Identifiers: Orphanet 231178, Orphanet 886, MedGen C1848634, MONDO:0010169, OMIM 276901.

Submissions (3):

Natera, Inc.
Classification: Likely pathogenic for Usher syndrome type 2A. Last evaluated: 2025-10-20. Review status: criteria provided, single submitter. Criteria: Natera Variant Classification Schema (03/2026). Collection method: clinical testing. Allele origin: germline.
Comment: The c.3639dup variant in USH2A is a frameshift variant predicted to shift the reading frame beginning at codon 1214 and leads to a stop codon 12 codons downstream. This variant is expected to result in nonsense mediated decay, truncation, or a dysfunctional protein product. This variant is rare in the general population with a frequency below the threshold expected for the associated phenotype(s). Given the available evidence, this variant is classified as Likely Pathogenic.

Labcorp Genetics (formerly Invitae), Labcorp
Classification: Pathogenic. Last evaluated: 2023-07-29. Review status: criteria provided, single submitter. Criteria: Invitae Variant Classification Sherloc (09022015). Collection method: clinical testing. Allele origin: germline.
Comment: This sequence change creates a premature translational stop signal (p.Ala1214Cysfs*12) in the USH2A gene. It is expected to result in an absent or disrupted protein product. Loss-of-function variants in USH2A are known to be pathogenic (PMID: 10729113, 10909849, 20507924, 25649381). This variant is not present in population databases (gnomAD no frequency). This variant has not been reported in the literature in individuals affected with USH2A-related conditions. For these reasons, this variant has been classified as Pathogenic.

Baylor Genetics
Classification: Likely pathogenic for Retinitis pigmentosa 39. Last evaluated: 2023-02-24. Review status: criteria provided, single submitter. Criteria: ACMG Guidelines, 2015. Collection method: clinical testing. Allele origin: unknown.

Literature cited by the submitters: PubMed 10729113 (cited by Labcorp Genetics (formerly Invitae), Labcorp); PubMed 10909849 (cited by Labcorp Genetics (formerly Invitae), Labcorp); PubMed 20507924 (cited by Labcorp Genetics (formerly Invitae), Labcorp); PubMed 25649381 (cited by Labcorp Genetics (formerly Invitae), Labcorp).

NM_206933.4(USH2A):c.3639dup (p.Ala1214fs)

Genes: USH2A (usherin; minus strand), USH2A-AS1 (USH2A antisense RNA 1; plus strand). Cytogenetic location: 1q41.
Variant type: Duplication.
Coding change: c.3639dup on transcript NM_206933.4 (MANE Select); coding-DNA position 3639, one base duplicated (T; older notation c.3639dupT).
Protein change: p.Ala1214fs; shifts the reading frame from alanine 1214.
Molecular consequence: frameshift variant.
Genome position (GRCh38, 1-based): chr1:216,199,799, A duplicated on the plus strand (T on the coding strand, the reverse complement: USH2A is on the minus strand); the first of 3 consecutive A bases (chr1:216,199,799-216,199,801); duplicating any one gives the same sequence. VCF-style (leftmost placement, unchanged base first): chr1-216199798-C-CA. GRCh37 (hg19) VCF-style: chr1-216373140-C-CA.
Other names: c.3639dup, p.Ala1214fs (NM_007123.6); c.3639dup (NM_206933.2); short protein forms A1214fs.
Identifiers: ClinVar variation 2679526 (VCV002679526.5), dbSNP rs2528046033, ClinGen allele CA2695200008.